The following is an entry in ClinVar:

ClinVar aggregate classification (germline): Uncertain significance (1 of 4 stars; one submission).

gnomAD v4.1: 27 of 1,608,646 alleles (0.0017%); highest among the groups gnomAD compares: Non-Finnish European, 0.0023%; no homozygotes.

Submission:

Labcorp Genetics (formerly Invitae), Labcorp
Classification: Uncertain significance. Last evaluated: 2024-02-17. Review status: criteria provided, single submitter. Criteria: Invitae Variant Classification Sherloc (09022015). Collection method: clinical testing. Allele origin: germline.
Comment: This sequence change replaces glycine, which is neutral and non-polar, with valine, which is neutral and non-polar, at codon 658 of the HPS5 protein (p.Gly658Val). This variant is present in population databases (no rsID available, gnomAD 0.004%). This variant has not been reported in the literature in individuals affected with HPS5-related conditions. An algorithm developed to predict the effect of missense changes on protein structure and function (PolyPhen-2) suggests that this variant¬†is likely to be tolerated. In summary, the available evidence is currently insufficient to determine the role of this variant in disease. Therefore, it has been classified as a Variant of Uncertain Significance.

NM_181507.2(HPS5):c.1973G>T (p.Gly658Val)

Gene: HPS5 (HPS5 biogenesis of lysosomal organelles complex 2 subunit 2; minus strand). Cytogenetic location: 11p15.1.
Variant type: single nucleotide variant.
Coding change: c.1973G>T on transcript NM_181507.2 (MANE Select); coding-DNA position 1973, G replaced by T.
Protein change: p.Gly658Val; replaces glycine 658 with valine.
Molecular consequence: missense variant.
Genome position (GRCh38, 1-based): chr11:18,291,909, C>A on the plus strand (G>T on the coding strand, the complement: HPS5 is on the minus strand). VCF-style: chr11-18291909-C-A. GRCh37 (hg19) VCF-style: chr11-18313456-C-A.
Other names: c.1631G>T, p.Gly544Val (NM_007216.4, NM_181508.2); short protein forms G658V, G544V.
Identifiers: ClinVar variation 3677373 (VCV003677373.1).